The following is an entry in ClinVar:

NM_002907.4(RECQL):c.1096C>T (p.Gln366Ter)

Gene: RECQL (RecQ like helicase; minus strand). Cytogenetic location: 12p12.1.
Variant type: single nucleotide variant.
Coding change: c.1096C>T on transcript NM_002907.4 (MANE Select); coding-DNA position 1096, C replaced by T.
Protein change: p.Gln366Ter; replaces glutamine 366 with a stop codon.
Molecular consequence: nonsense.
Genome position (GRCh38, 1-based): chr12:21,475,678, G>A on the plus strand (C>T on the coding strand, the complement: RECQL is on the minus strand). VCF-style: chr12-21475678-G-A. GRCh37 (hg19) VCF-style: chr12-21628612-G-A.
Other names: NC_000012.11:g.21628612G>A; c.1096C>T, p.Gln366Ter (NM_032941.3); short protein forms Q366*.
Identifiers: ClinVar variation 1790701 (VCV001790701.3), dbSNP rs1326657671, ClinGen allele CA384121042.
Genomic context (GRCh38, chr12:21,475,678, plus strand): 5'-AATCAAGTTTAAATATTTTAAAGGTAAATTAGGCTTCTATGGAAGATATAGACCTAACCT[G>A]AATTTCATTGGCTGACCATTTTCTATGAACTGTGGTCTTATCTTCTGGCTCCAAATTGGC-3'

ClinVar aggregate classification (germline): Uncertain significance (1 of 4 stars; one submission).

Allele frequency attached by ClinVar (database versions not stated): gnomAD exomes below 0.00001.
gnomAD v4.1: 3 of 1,613,170 alleles (0.00019%); highest among the groups gnomAD compares: Middle Eastern, 0.017%; no homozygotes.

Submissions (2):

Ambry Genetics
Classification: Uncertain significance. Last evaluated: 2021-07-30. Review status: criteria provided, single submitter. Criteria: Ambry Variant Classification Scheme 2023. Collection method: clinical testing. Allele origin: germline.
Comment: The p.Q366* variant (also known as c.1096C>T), located in coding exon 8 of the RECQL gene, results from a C to T substitution at nucleotide position 1096. This changes the amino acid from a glutamine to a stop codon within coding exon 8. This alteration is expected to result in premature protein truncation or nonsense-mediated mRNA decay. However, the gene-disease association for RECQL is limited. Since supporting evidence is limited at this time, the clinical significance of this alteration remains unclear.

Dr. Peter K. Rogan Lab, Western University
No classification provided (evidence only). Condition: Squamous cell carcinoma of the head and neck. Review status: no classification provided. Collection method: in vitro. Allele origin: not applicable. Functional consequence: skipped exon, retained intron. Not counted in ClinVar's aggregate classification.